The following is an entry in ClinVar:

NM_177438.3(DICER1):c.4250_4251insAGAGA (p.Tyr1417Ter)

Gene: DICER1 (dicer 1, ribonuclease III; minus strand). Cytogenetic location: 14q32.13.
Variant type: Microsatellite.
Coding change: c.4250_4251insAGAGA on transcript NM_177438.3 (MANE Select); coding-DNA positions 4250 to 4251, AGAGA inserted.
Protein change: p.Tyr1417Ter; replaces tyrosine 1417 with a stop codon.
Molecular consequence: nonsense. On other transcripts: non-coding transcript variant (6).
Genome position: GRCh38 VCF-style: chr14-95096669-G-GTCTCT. GRCh37 (hg19) VCF-style: chr14-95563006-G-GTCTCT.
Other names: c.4250_4251insAGAGA, p.Tyr1417Ter (NM_001195573.1, NM_001271282.3, NM_001291628.2 and 12 more transcripts); c.3968_3969insAGAGA, p.Tyr1323Ter (NM_001395686.1); c.3845_3846insAGAGA, p.Tyr1282Ter (NM_001395687.1, NM_001395688.1, NM_001395689.1 and 2 more transcripts); c.3683_3684insAGAGA, p.Tyr1228Ter (NM_001395691.1); c.2567_2568insAGAGA, p.Tyr856Ter (NM_001395697.1); c.4250_4251insAGAGA (NM_177438.2); short protein forms Y1323*, Y856*, Y1282*, Y1228*, Y1417*.
Identifiers: ClinVar variation 4011603 (VCV004011603.1).

ClinVar aggregate classification (germline): Pathogenic (1 of 4 stars; one submission).

Conditions:
Hereditary cancer-predisposing syndrome. Also called: Tumor predisposition; Hereditary neoplastic syndrome; Neoplastic Syndromes, Hereditary; Hereditary Cancer Syndrome. Identifiers: Orphanet 140162, MedGen C0027672, MeSH D009386, MONDO:0015356.

Submission:

Ambry Genetics
Classification: Pathogenic for Hereditary cancer-predisposing syndrome. Last evaluated: 2025-04-23. Review status: criteria provided, single submitter. Criteria: Ambry Variant Classification Scheme 2023. Collection method: clinical testing. Allele origin: germline.
Comment: The c.4250_4251insAGAGA pathogenic mutation, located in coding exon 22 of the DICER1 gene, results from an insertion of 5 nucleotides at position 4250, causing a translational frameshift with a predicted alternate stop codon (p.Y1417*). This variant was reported in individual(s) with features consistent with DICER1-related tumor predisposition syndrome, and this variant has been identified in conjunction with a somatic DICER1 mutation in an RNase IIIb-disrupting hotspot codon in tumor tissue (Ambry internal data). This variant is considered to be rare based on population cohorts in the Genome Aggregation Database (gnomAD). This alteration is expected to result in loss of function by premature protein truncation or nonsense-mediated mRNA decay. As such, this alteration is interpreted as a disease-causing mutation.